The following is an entry in ClinVar:

ClinVar aggregate classification (germline): Likely pathogenic. Review status: criteria provided, multiple submitters, no conflicts (2 of 4 stars). 2 submissions from 2 submitters: Likely pathogenic (2). Last evaluated 2024-10-15.

Conditions:
Fanconi anemia complementation group J. Also called: BRIP1-Related Fanconi Anemia. Identifiers: Orphanet 84, MedGen C1836860, MONDO:0012187, OMIM 609054.
Familial cancer of breast. Also called: hereditary breast carcinoma; Hereditary breast cancer; BREAST CANCER, FAMILIAL. Identifiers: Orphanet 227535, MedGen C0346153, MONDO:0016419, OMIM 114480. Disease mechanism: loss of function.

Submissions (2):

Labcorp Genetics (formerly Invitae), Labcorp
Classification: Likely pathogenic for Familial cancer of breast; Fanconi anemia complementation group J. Last evaluated: 2024-10-15. Review status: criteria provided, single submitter. Criteria: Invitae Variant Classification Sherloc (09022015). Collection method: clinical testing. Allele origin: germline.
Comment: This sequence change affects a donor splice site in intron 2 of the BRIP1 gene. It is expected to disrupt RNA splicing. Variants that disrupt the donor or acceptor splice site typically lead to a loss of protein function (PMID: 16199547), and loss-of-function variants in BRIP1 are known to be pathogenic (PMID: 16116423, 17033622, 21964575). This variant is not present in population databases (gnomAD no frequency). This variant has not been reported in the literature in individuals affected with BRIP1-related conditions. ClinVar contains an entry for this variant (Variation ID: 655609). Algorithms developed to predict the effect of sequence changes on RNA splicing suggest that this variant may disrupt the consensus splice site. In summary, the currently available evidence indicates that the variant is pathogenic, but additional data are needed to prove that conclusively. Therefore, this variant has been classified as Likely Pathogenic.

Myriad Genetics, Inc.
Classification: Likely pathogenic for Familial cancer of breast. Last evaluated: 2023-05-30. Review status: criteria provided, single submitter. Criteria: Myriad Autosomal Dominant, Autosomal Recessive and X-Linked Classification Criteria (2023). Collection method: clinical testing. Allele origin: unknown.
Comment: This variant is considered likely pathogenic. This variant occurs within a consensus splice junction and is predicted to result in abnormal mRNA splicing of either an out-of-frame exon or an in-frame exon necessary for protein stability and/or normal function.

Literature cited by the submitters: PubMed 16199547 (cited by Labcorp Genetics (formerly Invitae), Labcorp); PubMed 16116423 (cited by Labcorp Genetics (formerly Invitae), Labcorp); PubMed 17033622 (cited by Labcorp Genetics (formerly Invitae), Labcorp); PubMed 21964575 (cited by Labcorp Genetics (formerly Invitae), Labcorp).

NM_032043.3(BRIP1):c.93+2T>C

Gene: BRIP1 (BRCA1 interacting DNA helicase 1; minus strand). Cytogenetic location: 17q23.2.
Variant type: single nucleotide variant.
Coding change: c.93+2T>C on transcript NM_032043.3 (MANE Select); the canonical splice donor site of the intron after coding-DNA position 93, T replaced by C.
Molecular consequence: splice donor variant.
Genome position (GRCh38, 1-based): chr17:61,861,445, A>G on the plus strand (T>C on the coding strand, the complement: BRIP1 is on the minus strand). VCF-style: chr17-61861445-A-G. GRCh37 (hg19) VCF-style: chr17-59938806-A-G.
Identifiers: ClinVar variation 655609 (VCV000655609.12), dbSNP rs775755739, ClinGen allele CA400485890.